The following is an entry in ClinVar:

ClinVar aggregate classification (germline): Uncertain significance (1 of 4 stars; one submission).

Submission:

Ambry Genetics
Classification: Uncertain significance. Last evaluated: 2021-12-10. Review status: criteria provided, single submitter. Criteria: Ambry Variant Classification Scheme 2023. Collection method: clinical testing. Allele origin: germline.
Comment: The p.S17A variant (also known as c.49T>G), located in coding exon 1 of the PALLD gene, results from a T to G substitution at nucleotide position 49. The serine at codon 17 is replaced by alanine, an amino acid with similar properties. This amino acid position is conserved. In addition, this alteration is predicted to be tolerated by in silico analysis. Since supporting evidence is limited at this time, the clinical significance of this alteration remains unclear.

NM_001166108.2(PALLD):c.1965-12982T>G

Gene: PALLD (palladin, cytoskeletal associated protein; plus strand). Cytogenetic location: 4q32.3.
Variant type: single nucleotide variant.
Coding change: c.1965-12982T>G on transcript NM_001166108.2 (MANE Select); 12982 bases into the intron before coding-DNA position 1965, T replaced by G.
Molecular consequence: intron variant. On other transcripts: missense variant (1).
Genome position (GRCh38, 1-based): chr4:168,877,940, T>G. VCF-style: chr4-168877940-T-G. GRCh37 (hg19) VCF-style: chr4-169799091-T-G.
Other names: c.49T>G, p.Ser17Ala (NM_001166110.2); c.1965-12982T>G (NM_016081.4); c.819-12982T>G (NM_001166109.2); c.-157-12982T>G (NM_001367570.1, NM_001367568.1, NM_001367567.1 and 1 more transcripts); short protein forms S17A.
Identifiers: ClinVar variation 1744675 (VCV001744675.2), dbSNP rs1752001393, ClinGen allele CA358794792.